The following is an entry in ClinVar:

ClinVar aggregate classification (germline): Uncertain significance. Review status: criteria provided, single submitter (1 of 4 stars). 2 submissions from 2 submitters: Uncertain significance (1). 1 of the submissions does not count toward it. Last evaluated 2024-11-10.

Conditions:
TBX3-related disorder. Also called: TBX3-related condition.
Ulnar-mammary syndrome (UMS). Also called: SCHINZEL SYNDROME; PALLISTER ULNAR-MAMMARY SYNDROME; Ulnar-mammary syndrome of Pallister. Identifiers: Orphanet 3138, MedGen C1866994, MONDO:0008411, OMIM 181450.

Allele frequency attached by ClinVar (database versions not stated): gnomAD exomes below 0.00001; TOPMed below 0.00001.
gnomAD v4.1: 1 of 1,596,134 alleles (0.000063%); highest among the groups gnomAD compares: Non-Finnish European, 0.000085%; no homozygotes.

Submissions (2):

Labcorp Genetics (formerly Invitae), Labcorp
Classification: Uncertain significance for Ulnar-mammary syndrome. Last evaluated: 2024-11-10. Review status: criteria provided, single submitter. Criteria: Invitae Variant Classification Sherloc (09022015). Collection method: clinical testing. Allele origin: germline.
Comment: This sequence change replaces aspartic acid, which is acidic and polar, with glycine, which is neutral and non-polar, at codon 667 of the TBX3 protein (p.Asp667Gly). This variant is not present in population databases (gnomAD no frequency). This variant has not been reported in the literature in individuals affected with TBX3-related conditions. ClinVar contains an entry for this variant (Variation ID: 1488251). An algorithm developed to predict the effect of missense changes on protein structure and function (PolyPhen-2) suggests that this variant is likely to be tolerated. In summary, the available evidence is currently insufficient to determine the role of this variant in disease. Therefore, it has been classified as a Variant of Uncertain Significance.

PreventionGenetics, part of Exact Sciences
Classification: Uncertain significance for TBX3-related condition. Last evaluated: 2024-01-02. Review status: no assertion criteria provided. Collection method: clinical testing. Allele origin: germline. Not counted in ClinVar's aggregate classification.
Comment: The TBX3 c.2060A>G variant is predicted to result in the amino acid substitution p.Asp687Gly. To our knowledge, this variant has not been reported in the literature or in a large population database, indicating this variant is rare. At this time, the clinical significance of this variant is uncertain due to the absence of conclusive functional and genetic evidence.

NM_005996.4(TBX3):c.2000A>G (p.Asp667Gly)

Gene: TBX3 (T-box transcription factor 3; minus strand). Cytogenetic location: 12q24.21.
Variant type: single nucleotide variant.
Coding change: c.2000A>G on transcript NM_005996.4 (MANE Select); coding-DNA position 2000, A replaced by G.
Protein change: p.Asp667Gly; replaces aspartic acid 667 with glycine.
Molecular consequence: missense variant.
Genome position (GRCh38, 1-based): chr12:114,672,013, T>C on the plus strand (A>G on the coding strand, the complement: TBX3 is on the minus strand). VCF-style: chr12-114672013-T-C. GRCh37 (hg19) VCF-style: chr12-115109818-T-C.
Other names: c.2060A>G (NM_016569.3); c.2060A>G, p.Asp687Gly (NM_016569.4); short protein forms D687G, D667G.
Identifiers: ClinVar variation 1488251 (VCV001488251.7), dbSNP rs772542059, ClinGen allele CA6809804.